The following is an entry in ClinVar:

NM_001378457.1(DMXL2):c.6308C>T (p.Ser2103Phe)

Gene: DMXL2 (Dmx like 2; minus strand). Cytogenetic location: 15q21.2.
Variant type: single nucleotide variant.
Coding change: c.6308C>T on transcript NM_001378457.1 (MANE Select); coding-DNA position 6308, C replaced by T.
Protein change: p.Ser2103Phe; replaces serine 2103 with phenylalanine.
Molecular consequence: missense variant. On other transcripts: non-coding transcript variant (2).
Genome position (GRCh38, 1-based): chr15:51,480,798, G>A on the plus strand (C>T on the coding strand, the complement: DMXL2 is on the minus strand). VCF-style: chr15-51480798-G-A. GRCh37 (hg19) VCF-style: chr15-51772995-G-A.
Other names: c.6308C>T, p.Ser2103Phe (NM_001174116.3, NM_001378458.1, NM_001378459.1 and 4 more transcripts); c.4400C>T, p.Ser1467Phe (NM_001174117.3); c.4289C>T, p.Ser1430Phe (NM_001378460.1); c.6068C>T, p.Ser2023Phe (NM_001378464.1); short protein forms S2103F, S1430F, S1467F, S2023F.
Identifiers: ClinVar variation 1978150 (VCV001978150.5), dbSNP rs2041955765, ClinGen allele CA392443883.
Genomic context (GRCh38, chr15:51,480,798, plus strand): 5'-GAACCAATATCTGGTTTGTCTACCATTTCTTCCTGATCCAGCAGATCACTCTCTACTTTG[G>A]AATATGTCTTACTGGAATACTCTTTAATAACTGATTCATGATTACATATCTCATGCAAGG-3'
Protein context (NP_001365386.1, residues 2093-2113): VIKEYSSKTY[Ser2103Phe]KVESDLLDQE

ClinVar aggregate classification (germline): Uncertain significance (1 of 4 stars; one submission).

Submission:

Labcorp Genetics (formerly Invitae), Labcorp
Classification: Uncertain significance. Last evaluated: 2021-12-13. Review status: criteria provided, single submitter. Criteria: Invitae Variant Classification Sherloc (09022015). Collection method: clinical testing. Allele origin: germline.
Comment: In summary, the available evidence is currently insufficient to determine the role of this variant in disease. Therefore, it has been classified as a Variant of Uncertain Significance. Algorithms developed to predict the effect of missense changes on protein structure and function are either unavailable or do not agree on the potential impact of this missense change (SIFT: "Tolerated"; PolyPhen-2: "Possibly Damaging"; Align-GVGD: "Class C0"). This variant has not been reported in the literature in individuals affected with DMXL2-related conditions. This variant is not present in population databases (gnomAD no frequency). This sequence change replaces serine, which is neutral and polar, with phenylalanine, which is neutral and non-polar, at codon 2103 of the DMXL2 protein (p.Ser2103Phe).